The following is an entry in ClinVar:

NM_001160148.2(DDHD1):c.1603T>G (p.Ser535Ala)

Gene: DDHD1 (DDHD domain containing 1; minus strand). Cytogenetic location: 14q22.1.
Variant type: single nucleotide variant.
Coding change: c.1603T>G on transcript NM_001160148.2 (MANE Select); coding-DNA position 1603, T replaced by G.
Protein change: p.Ser535Ala; replaces serine 535 with alanine.
Molecular consequence: missense variant.
Genome position (GRCh38, 1-based): chr14:53,063,106, A>C on the plus strand (T>G on the coding strand, the complement: DDHD1 is on the minus strand). VCF-style: chr14-53063106-A-C. GRCh37 (hg19) VCF-style: chr14-53529824-A-C.
Other names: c.1624T>G, p.Ser542Ala (NM_001160147.2); c.1603T>G, p.Ser535Ala (NM_030637.3); short protein forms S535A, S542A.
Identifiers: ClinVar variation 1800518 (VCV001800518.1), dbSNP rs1555331568, ClinGen allele CA389763126.

ClinVar aggregate classification (germline): Uncertain significance (1 of 4 stars; one submission).

Submission:

GeneDx
Classification: Uncertain significance. Last evaluated: 2022-05-17. Review status: criteria provided, single submitter. Criteria: GeneDx Variant Classification Process June 2021. Collection method: clinical testing. Allele origin: germline. Affected: yes.
Comment: Not observed at significant frequency in large population cohorts (gnomAD); In silico analysis supports that this missense variant does not alter protein structure/function; Truncating variants in this gene are considered pathogenic by a well-established clinical consortium and/or database